The following is an entry in ClinVar:

ClinVar aggregate classification (germline): Uncertain significance (1 of 4 stars; one submission).

Conditions:
Niemann-Pick disease, type C1. Also called: NIEMANN-PICK DISEASE, VARIANT TYPE C1; NEUROVISCERAL STORAGE DISEASE WITH VERTICAL SUPRANUCLEAR OPHTHALMOPLEGIA; NIEMANN-PICK DISEASE WITH CHOLESTEROL ESTERIFICATION BLOCK; NIEMANN-PICK DISEASE WITHOUT SPHINGOMYELINASE DEFICIENCY; NIEMANN-PICK DISEASE, CHRONIC NEURONOPATHIC FORM. Identifiers: Orphanet 646, MedGen C3179455, MONDO:0009757, OMIM 257220.

Submission:

Labcorp Genetics (formerly Invitae), Labcorp
Classification: Uncertain significance for Niemann-Pick disease, type C1. Last evaluated: 2022-05-27. Review status: criteria provided, single submitter. Criteria: Invitae Variant Classification Sherloc (09022015). Collection method: clinical testing. Allele origin: germline.
Comment: This sequence change replaces glutamic acid, which is acidic and polar, with glutamine, which is neutral and polar, at codon 127 of the NPC1 protein (p.Glu127Gln). This variant is not present in population databases (gnomAD no frequency). This variant has not been reported in the literature in individuals affected with NPC1-related conditions. Advanced modeling of protein sequence and biophysical properties (such as structural, functional, and spatial information, amino acid conservation, physicochemical variation, residue mobility, and thermodynamic stability) performed at Invitae indicates that this missense variant is not expected to disrupt NPC1 protein function. In summary, the available evidence is currently insufficient to determine the role of this variant in disease. Therefore, it has been classified as a Variant of Uncertain Significance.

NM_000271.5(NPC1):c.379G>C (p.Glu127Gln)

Gene: NPC1 (NPC intracellular cholesterol transporter 1; minus strand). Cytogenetic location: 18q11.2.
Variant type: single nucleotide variant.
Coding change: c.379G>C on transcript NM_000271.5 (MANE Select); coding-DNA position 379, G replaced by C.
Protein change: p.Glu127Gln; replaces glutamic acid 127 with glutamine.
Molecular consequence: missense variant.
Genome position (GRCh38, 1-based): chr18:23,568,907, C>G on the plus strand (G>C on the coding strand, the complement: NPC1 is on the minus strand). VCF-style: chr18-23568907-C-G. GRCh37 (hg19) VCF-style: chr18-21148871-C-G.
Other names: short protein forms E127Q.
Identifiers: ClinVar variation 1935171 (VCV001935171.2), dbSNP rs2511341135, ClinGen allele CA401785320.
Genomic context (GRCh38, chr18:23,568,907, plus strand): 5'-AGTATTGTAACTCTTTCACATTTGTTTTCGTCTGGTTTGTAACAGGATCAACATAATCTT[C>G]AGTAGCTGTAACATTCAAAAACTGACTCTGTCGAGGGCTACATGTCAGCTCACAAAACAG-3'
Protein context (NP_000262.2, residues 117-137): QSQFLNVTAT[Glu127Gln]DYVDPVTNQT